The following is an entry in ClinVar:

ClinVar aggregate classification (germline): Pathogenic (1 of 4 stars; one submission).

Conditions:
Primary ciliary dyskinesia 3. Identifiers: Orphanet 244, MedGen C1837618, MONDO:0012085, OMIM 608644.

Submission:

Myriad Genetics, Inc.
Classification: Pathogenic for Primary ciliary dyskinesia 3. Last evaluated: 2023-09-27. Review status: criteria provided, single submitter. Criteria: Myriad Autosomal Dominant, Autosomal Recessive and X-Linked Classification Criteria (2023). Collection method: clinical testing. Allele origin: unknown.
Comment: NM_001369.2(DNAH5):c.6529dupG(E2177Gfs*16) is expected to be pathogenic in the context of primary ciliary dyskinesia, DNAH5-related. This variant is predicted to lead to an abnormal or absent protein product due to the creation of a premature termination codon in DNAH5, a gene where loss-of-function variants are known to be pathogenic. Please note: this variant was assessed in the context of healthy population screening.

NM_001369.3(DNAH5):c.6529dup (p.Glu2177fs)

Gene: DNAH5 (dynein axonemal heavy chain 5; minus strand). Cytogenetic location: 5p15.2.
Variant type: Duplication.
Coding change: c.6529dup on transcript NM_001369.3 (MANE Select); coding-DNA position 6529, one base duplicated (G; older notation c.6529dupG).
Protein change: p.Glu2177fs; shifts the reading frame from glutamic acid 2177.
Molecular consequence: frameshift variant.
Genome position (GRCh38, 1-based): chr5:13,824,249, C duplicated on the plus strand (G on the coding strand, the reverse complement: DNAH5 is on the minus strand); the first of 2 consecutive C bases (chr5:13,824,249-13,824,250); duplicating either gives the same sequence. VCF-style (leftmost placement, unchanged base first): chr5-13824248-T-TC. GRCh37 (hg19) VCF-style: chr5-13824357-T-TC.
Other names: short protein forms E2177fs.
Identifiers: ClinVar variation 5012305 (VCV005012305.1).
Genomic context (GRCh38, chr5:13,824,248, plus strand): 5'-GTGAGTCTTACCAGTTTAGAAAGATTCATGTCCCGTAGTACACGCATGACAATCGTGGAC[T>TC]CCGTATCCATTGGATTGGCTCTTTTTGCTGCTCCCAAGGTCCGAAGAACTGACAGAATGT-3'